The following is an entry in ClinVar:

ClinVar aggregate classification (germline): Likely benign. Review status: criteria provided, single submitter (1 of 4 stars). 2 submissions from 2 submitters: Likely benign (1). 1 of the submissions does not count toward it. Last evaluated 2025-04-13.

Conditions:
CSF1R-related disorder. Also called: CSF1R-related condition. Identifiers: MedGen CN379780, MONDO:0100632.

Allele frequency attached by ClinVar (database versions not stated): 1000 Genomes Project 30x 0.00016; 1000 Genomes Project 0.00020.
gnomAD v4.1: 211 of 1,614,056 alleles (0.013%); highest among the groups gnomAD compares: Non-Finnish European, 0.017%; no homozygotes.

Submissions (2):

Labcorp Genetics (formerly Invitae), Labcorp
Classification: Likely benign. Last evaluated: 2025-04-13. Review status: criteria provided, single submitter. Criteria: Invitae Variant Classification Sherloc (09022015). Collection method: clinical testing. Allele origin: germline.

PreventionGenetics, part of Exact Sciences
Classification: Likely benign for CSF1R-related condition. Last evaluated: 2019-10-08. Review status: no assertion criteria provided. Collection method: clinical testing. Allele origin: germline. Not counted in ClinVar's aggregate classification.
Comment: This variant is classified as likely benign based on ACMG/AMP sequence variant interpretation guidelines (Richards et al. 2015 PMID: 25741868, with internal and published modifications).

NM_001288705.3(CSF1R):c.93C>A (p.Val31=)

Gene: CSF1R (colony stimulating factor 1 receptor; minus strand). Cytogenetic location: 5q32.
Variant type: single nucleotide variant.
Coding change: c.93C>A on transcript NM_001288705.3 (MANE Select); coding-DNA position 93, C replaced by A.
Protein change: p.Val31=; no amino-acid change (valine 31 retained).
Molecular consequence: synonymous variant. On other transcripts: 5 prime UTR variant (1), non-coding transcript variant (2).
Genome position (GRCh38, 1-based): chr5:150,080,981, G>T on the plus strand (C>A on the coding strand, the complement: CSF1R is on the minus strand). VCF-style: chr5-150080981-G-T. GRCh37 (hg19) VCF-style: chr5-149460544-G-T.
Other names: c.93C>A, p.Val31= (NM_001349736.2, NM_001375320.1, NM_005211.4); c.-352C>A (NM_001375321.1); c.93C>A (NM_005211.3).
Identifiers: ClinVar variation 1529498 (VCV001529498.10), dbSNP rs41424646, ClinGen allele CA3507284.